The following is an entry in ClinVar:

ClinVar aggregate classification (germline): Benign/Likely benign. Review status: criteria provided, multiple submitters, no conflicts (2 of 4 stars). 3 submissions from 3 submitters: Benign (1); Likely benign (2). Last evaluated 2025-06-27.

Conditions:
Mitochondrial complex II deficiency, nuclear type 1. Also called: SUCCINATE CoQ REDUCTASE DEFICIENCY. Identifiers: Orphanet 3208, MedGen C5700310, MONDO:0100294, OMIM 252011.
Pheochromocytoma/paraganglioma syndrome 5. Also called: Paragangliomas 5; SDHA-Related Hereditary Paraganglioma-Pheochromocytoma Syndrome. Identifiers: Orphanet 29072, MedGen C3279992, MONDO:0013602, OMIM 614165.
Hereditary cancer-predisposing syndrome. Also called: Neoplastic Syndromes, Hereditary; Hereditary Cancer Syndrome; Hereditary neoplastic syndrome; Tumor predisposition. Identifiers: Orphanet 140162, MedGen C0027672, MeSH D009386, MONDO:0015356.

Allele frequency attached by ClinVar (database versions not stated): gnomAD exomes below 0.00001 and 0.00001; ExAC 0.00001.
gnomAD v4.1: 3 of 1,614,038 alleles (0.00019%); highest among the groups gnomAD compares: Non-Finnish European, 0.00025%; no homozygotes.

Submissions (3):

Labcorp Genetics (formerly Invitae), Labcorp
Classification: Likely benign for Pheochromocytoma/paraganglioma syndrome 5; Mitochondrial complex II deficiency, nuclear type 1. Last evaluated: 2025-06-27. Review status: criteria provided, single submitter. Criteria: Invitae Variant Classification Sherloc (09022015). Collection method: clinical testing. Allele origin: germline.

Myriad Genetics, Inc.
Classification: Benign for Pheochromocytoma/paraganglioma syndrome 5. Last evaluated: 2025-03-07. Review status: criteria provided, single submitter. Criteria: Myriad Autosomal Dominant, Autosomal Recessive and X-Linked Classification Criteria (2023). Collection method: clinical testing. Allele origin: unknown.
Comment: This variant is considered benign. This variant is a silent/synonymous amino acid change and it is not expected to impact splicing.

Ambry Genetics
Classification: Likely benign for Hereditary cancer-predisposing syndrome. Last evaluated: 2016-04-19. Review status: criteria provided, single submitter. Criteria: Ambry Variant Classification Scheme 2023. Collection method: clinical testing. Allele origin: germline.

NM_004168.4(SDHA):c.1155G>A (p.Glu385=)

Gene: SDHA (succinate dehydrogenase complex flavoprotein subunit A; plus strand). Cytogenetic location: 5p15.33.
Variant type: single nucleotide variant.
Coding change: c.1155G>A on transcript NM_004168.4 (MANE Select); coding-DNA position 1155, G replaced by A.
Protein change: p.Glu385=; no amino-acid change (glutamic acid 385 retained).
Molecular consequence: synonymous variant.
Genome position (GRCh38, 1-based): chr5:235,234, G>A. VCF-style: chr5-235234-G-A. GRCh37 (hg19) VCF-style: chr5-235349-G-A.
Other names: c.1011G>A, p.Glu337= (NM_001294332.2); c.1155G>A, p.Glu385= (NM_001330758.2).
Identifiers: ClinVar variation 486385 (VCV000486385.17), dbSNP rs765356526, ClinGen allele CA3173123.